The following is an entry in ClinVar:

ClinVar aggregate classification (germline): Uncertain significance (1 of 4 stars; one submission).

Allele frequency attached by ClinVar (database versions not stated): gnomAD 0.00001; gnomAD exomes 0.00001.
gnomAD v4.1: 9 of 1,141,632 alleles (0.00079%); highest among the groups gnomAD compares: Non-Finnish European, 0.0011%; no homozygotes.

Submission:

GeneDx
Classification: Uncertain significance. Last evaluated: 2019-11-12. Review status: criteria provided, single submitter. Criteria: GeneDx Variant Classification Process June 2021. Collection method: clinical testing. Allele origin: germline. Affected: yes.
Comment: Not observed at a significant frequency in large population cohorts (Lek et al., 2016); In silico analysis, which includes protein predictors and evolutionary conservation, supports a deleterious effect; Has not been previously published as pathogenic or benign to our knowledge

NM_002578.5(PAK3):c.787G>T (p.Asp263Tyr)

Gene: PAK3 (p21 (RAC1) activated kinase 3; plus strand). Cytogenetic location: Xq23.
Variant type: single nucleotide variant.
Coding change: c.787G>T on transcript NM_002578.5 (MANE Select); coding-DNA position 787, G replaced by T.
Protein change: p.Asp263Tyr; replaces aspartic acid 263 with tyrosine.
Molecular consequence: missense variant. On other transcripts: non-coding transcript variant (2).
Genome position (GRCh38, 1-based): chrX:111,173,038, G>T. VCF-style: chrX-111173038-G-T. GRCh37 (hg19) VCF-style: chrX-110416266-G-T.
Other names: c.787G>T, p.Asp263Tyr (NM_001128166.3, NM_001128167.3, NM_001324325.2 and 5 more transcripts); c.895G>T, p.Asp299Tyr (NM_001128168.3); c.850G>T, p.Asp284Tyr (NM_001128172.2); c.832G>T, p.Asp278Tyr (NM_001128173.3, NM_001324327.2, NM_001324328.2 and 2 more transcripts); short protein forms D263Y, D278Y, D284Y, D299Y.
Identifiers: ClinVar variation 1310131 (VCV001310131.2), dbSNP rs1330059263, ClinGen allele CA414237208.